The following is an entry in ClinVar:

NM_020427.3(SLURP1):c.*143G>A

Gene: SLURP1 (secreted LY6/PLAUR domain containing 1; minus strand). Cytogenetic location: 8q24.3.
Variant type: single nucleotide variant.
Coding change: c.*143G>A on transcript NM_020427.3 (MANE Select); 143 bases downstream of the stop codon, G replaced by A.
Molecular consequence: 3 prime UTR variant.
Genome position (GRCh38, 1-based): chr8:142,741,000, C>T on the plus strand (G>A on the coding strand, the complement: SLURP1 is on the minus strand). VCF-style: chr8-142741000-C-T. GRCh37 (hg19) VCF-style: chr8-143822418-C-T.
Identifiers: ClinVar variation 362098 (VCV000362098.6), dbSNP rs182887603, ClinGen allele CA10627259.

ClinVar aggregate classification (germline): Likely benign. Review status: criteria provided, multiple submitters, no conflicts (2 of 4 stars). 2 submissions from 2 submitters: Likely benign (2). Last evaluated 2018-01-12.

Conditions:
Acroerythrokeratoderma (MDM). Also called: PALMOPLANTAR KERATODERMA, NORRBOTTEN RECESSIVE TYPE; PALMOPLANTAR KERATODERMA, GAMBORG NIELSEN TYPE; Meleda disease; Mal de Meleda; KERATOSIS PALMOPLANTARIS TRANSGREDIENS OF SIEMENS. Identifiers: Orphanet 87503, MedGen C0025221, MONDO:0009552, OMIM 248300.

Allele frequency attached by ClinVar (database versions not stated): gnomAD 0.00474 and 0.00469; 1000 Genomes Project 30x 0.00250; TOPMed 0.00330; 1000 Genomes Project 0.00339.
gnomAD v4.1: 6,199 of 1,237,128 alleles (0.5%); highest among the groups gnomAD compares: Middle Eastern, 0.78%; 24 homozygotes.

Submissions (2):

Illumina Laboratory Services, Illumina
Classification: Likely benign for Acroerythrokeratoderma. Last evaluated: 2018-01-12. Review status: criteria provided, single submitter. Criteria: ICSL Variant Classification Criteria 13 December 2019. Collection method: clinical testing. Allele origin: germline.
Comment: This variant was observed in the ICSL laboratory as part of a predisposition screen in an ostensibly healthy population. It had not been previously curated by ICSL or reported in the Human Gene Mutation Database (HGMD: prior to June 1st, 2018), and was therefore a candidate for classification through an automated scoring system. Utilizing variant allele frequency, disease prevalence and penetrance estimates, and inheritance mode, an automated score was calculated to assess if this variant is too frequent to cause the disease. Based on the score and internal cut-off values, a variant classified as likely benign is not then subjected to further curation. The score for this variant resulted in a classification of likely benign for this disease.

Breakthrough Genomics
Classification: Likely benign. Review status: criteria provided, single submitter. Criteria: ACMG Guidelines, 2015. Collection method: not provided. Allele origin: germline. Inheritance: Autosomal recessive inheritance. Affected: yes.